The following is an entry in ClinVar:

ClinVar aggregate classification (germline): Uncertain significance (1 of 4 stars; one submission).

Submission:

Ambry Genetics
Classification: Uncertain significance. Last evaluated: 2024-10-11. Review status: criteria provided, single submitter. Criteria: Ambry Variant Classification Scheme 2023. Collection method: clinical testing. Allele origin: germline.
Comment: The p.T1071I variant (also known as c.3212C>T), located in coding exon 16 of the POLQ gene, results from a C to T substitution at nucleotide position 3212. The threonine at codon 1071 is replaced by isoleucine, an amino acid with similar properties. This amino acid position is conserved. In addition, this alteration is predicted to be tolerated by in silico analysis. Based on the available evidence, the clinical significance of this variant remains unclear.

NM_199420.4(POLQ):c.3212C>T (p.Thr1071Ile)

Gene: POLQ (DNA polymerase theta; minus strand). Cytogenetic location: 3q13.33.
Variant type: single nucleotide variant.
Coding change: c.3212C>T on transcript NM_199420.4 (MANE Select); coding-DNA position 3212, C replaced by T.
Protein change: p.Thr1071Ile; replaces threonine 1071 with isoleucine.
Molecular consequence: missense variant.
Genome position (GRCh38, 1-based): chr3:121,489,719, G>A on the plus strand (C>T on the coding strand, the complement: POLQ is on the minus strand). VCF-style: chr3-121489719-G-A. GRCh37 (hg19) VCF-style: chr3-121208566-G-A.
Other names: short protein forms T1071I.
Identifiers: ClinVar variation 3422588 (VCV003422588.1).